The following is an entry in ClinVar:

NM_000817.3(GAD1):c.59A>G (p.Asn20Ser)

Genes: GAD1 (glutamate decarboxylase 1; plus strand), GAD1-AS1 (GAD1 antisense RNA 1; minus strand). Cytogenetic location: 2q31.1.
Variant type: single nucleotide variant.
Coding change: c.59A>G on transcript NM_000817.3 (MANE Select); coding-DNA position 59, A replaced by G.
Protein change: p.Asn20Ser; replaces asparagine 20 with serine.
Molecular consequence: missense variant.
Genome position (GRCh38, 1-based): chr2:170,818,650, A>G. VCF-style: chr2-170818650-A-G. GRCh37 (hg19) VCF-style: chr2-171675160-A-G.
Other names: c.59A>G, p.Asn20Ser (NM_013445.4); c.59A>G (NM_000817.2); short protein forms N20S.
Identifiers: ClinVar variation 2651534 (VCV002651534.25), dbSNP rs766656844, ClinGen allele CA1962477.

ClinVar aggregate classification (germline): Conflicting classifications of pathogenicity. Review status: criteria provided, conflicting classifications (1 of 4 stars). 2 submissions from 2 submitters: Uncertain significance (1); Likely benign (1). Last evaluated 2025-08-19.

Conditions:
Inborn genetic diseases. Identifiers: MedGen C0950123, MeSH D030342.

Allele frequency attached by ClinVar (database versions not stated): gnomAD 0.00002; TOPMed 0.00002; gnomAD exomes 0.00004; ExAC 0.00008.
gnomAD v4.1: 57 of 1,613,902 alleles (0.0035%); highest among the groups gnomAD compares: South Asian, 0.04%; no homozygotes.

Submissions (2):

Ambry Genetics
Classification: Uncertain significance for Inborn genetic diseases. Last evaluated: 2025-08-19. Review status: criteria provided, single submitter. Criteria: Ambry Variant Classification Scheme 2023. Collection method: clinical testing. Allele origin: germline.

CeGaT Center for Human Genetics Tuebingen
Classification: Likely benign. Last evaluated: 2022-08-01. Review status: criteria provided, single submitter. Criteria: CeGaT Center For Human Genetics Tuebingen Variant Classification Criteria Version 2. Collection method: clinical testing. Allele origin: germline. Affected: yes. Observed: 1 variant allele.
Comment: GAD1: BP4